The following is an entry in ClinVar:

ClinVar aggregate classification (germline): Uncertain significance (1 of 4 stars; one submission).

Allele frequency attached by ClinVar (database versions not stated): ExAC 0.00001; gnomAD 0.00001; TOPMed 0.00001.
gnomAD v4.1: 2 of 1,614,038 alleles (0.00012%); highest among the groups gnomAD compares: African/African-American, 0.0027%; no homozygotes.

Submission:

Labcorp Genetics (formerly Invitae), Labcorp
Classification: Uncertain significance. Last evaluated: 2024-01-24. Review status: criteria provided, single submitter. Criteria: Invitae Variant Classification Sherloc (09022015). Collection method: clinical testing. Allele origin: germline.
Comment: This sequence change replaces leucine, which is neutral and non-polar, with serine, which is neutral and polar, at codon 72 of the MUT protein (p.Leu72Ser). This variant is present in population databases (rs753913987, gnomAD 0.007%). This variant has not been reported in the literature in individuals affected with MUT-related conditions. ClinVar contains an entry for this variant (Variation ID: 1926408). Advanced modeling of protein sequence and biophysical properties (such as structural, functional, and spatial information, amino acid conservation, physicochemical variation, residue mobility, and thermodynamic stability) has been performed at Invitae for this missense variant, however the output from this modeling did not meet the statistical confidence thresholds required to predict the impact of this variant on MUT protein function. In summary, the available evidence is currently insufficient to determine the role of this variant in disease. Therefore, it has been classified as a Variant of Uncertain Significance.

NM_000255.4(MMUT):c.215T>C (p.Leu72Ser)

Gene: MMUT (methylmalonyl-CoA mutase; minus strand). Cytogenetic location: 6p12.3.
Variant type: single nucleotide variant.
Coding change: c.215T>C on transcript NM_000255.4 (MANE Select); coding-DNA position 215, T replaced by C.
Protein change: p.Leu72Ser; replaces leucine 72 with serine.
Molecular consequence: missense variant.
Genome position (GRCh38, 1-based): chr6:49,459,252, A>G on the plus strand (T>C on the coding strand, the complement: MMUT is on the minus strand). VCF-style: chr6-49459252-A-G. GRCh37 (hg19) VCF-style: chr6-49426965-A-G.
Other names: short protein forms L72S.
Identifiers: ClinVar variation 1926408 (VCV001926408.5), dbSNP rs753913987, ClinGen allele CA3847160.